The following is an entry in ClinVar:

ClinVar aggregate classification (germline): Likely pathogenic (1 of 4 stars; one submission).

Conditions:
Congenital adrenal insufficiency with 46, XY sex reversal OR 46,XY disorder of sex development-adrenal insufficiency due to CYP11A1 deficiency. Also called: P450scc DEFICIENCY; Congenital adrenal insuffiency with 46, XY sex reversal OR 46,XY disorder of sex development-adrenal insufficiency due to CYP11A1 deficiency. Identifiers: Orphanet 168558, MedGen C3151055, MONDO:0013400, OMIM 613743.

Submission:

Myriad Genetics, Inc.
Classification: Likely pathogenic for Congenital adrenal insufficiency with 46, XY sex reversal OR 46,XY disorder of sex development-adrenal insufficiency due to CYP11A1 deficiency. Last evaluated: 2026-09-08. Review status: criteria provided, single submitter. Criteria: Myriad Autosomal Dominant, Autosomal Recessive and X-Linked Classification Criteria (2023). Collection method: clinical testing. Allele origin: unknown.
Comment: NM_000781.2(CYP11A1):c.269+1G>A is a variant in a canonical splice site classified as likely pathogenic in the context of congenital adrenal hyperplasia, CYP11A1-related. c.269+1G>A has not been observed in cases with relevant disease. Relevant functional assessments of this variant are not available in the literature. c.269+1G>A has not been observed in referenced population frequency databases. In summary, NM_000781.2(CYP11A1):c.269+1G>A is a variant in a canonical splice site in a gene where loss of function is a known mechanism of disease and is predicted to disrupt protein function. Please note: this variant was assessed in the context of healthy population screening.

NM_000781.3(CYP11A1):c.269+1G>A

Gene: CYP11A1 (cytochrome P450 family 11 subfamily A member 1; minus strand). Cytogenetic location: 15q24.1.
Variant type: single nucleotide variant.
Coding change: c.269+1G>A on transcript NM_000781.3 (MANE Select); the canonical splice donor site of the intron after coding-DNA position 269, G replaced by A.
Molecular consequence: splice donor variant.
Genome position (GRCh38, 1-based): chr15:74,367,316, C>T on the plus strand (G>A on the coding strand, the complement: CYP11A1 is on the minus strand). VCF-style: chr15-74367316-C-T. GRCh37 (hg19) VCF-style: chr15-74659657-C-T.
Identifiers: ClinVar variation 5004891 (VCV005004891.1).